The following is an entry in ClinVar:

NM_000404.4(GLB1):c.1870G>A (p.Ala624Thr)

Gene: GLB1 (galactosidase beta 1; minus strand). Cytogenetic location: 3p22.3.
Variant type: single nucleotide variant.
Coding change: c.1870G>A on transcript NM_000404.4 (MANE Select); coding-DNA position 1870, G replaced by A.
Protein change: p.Ala624Thr; replaces alanine 624 with threonine.
Molecular consequence: missense variant. On other transcripts: intron variant (1).
Genome position (GRCh38, 1-based): chr3:32,997,209, C>T on the plus strand (G>A on the coding strand, the complement: GLB1 is on the minus strand). VCF-style: chr3-32997209-C-T. GRCh37 (hg19) VCF-style: chr3-33038701-C-T.
Other names: c.1780G>A, p.Ala594Thr (NM_001079811.3); c.1477G>A, p.Ala493Thr (NM_001135602.3); c.2014G>A, p.Ala672Thr (NM_001317040.2); c.1734+16847G>A (NM_001393580.1); short protein forms A493T, A594T, A624T, A672T.
Identifiers: ClinVar variation 3251341 (VCV003251341.1), dbSNP rs1242383448.
Genomic context (GRCh38, chr3:32,997,209, plus strand): 5'-TAACTGGCCTGTCCACGAACGTCACAGCACATAGTTCTGGATCATCACTGCTGCAGGGTG[C>T]CCACTCCAGTTCCAGCACGGTGATGGTGTTTGGGGCCGAGGTCATCAGGATGTGCTGGGG-3'
Protein context (NP_000395.3, residues 614-634): NTITVLELEW[Ala624Thr]PCSSDDPELC

ClinVar aggregate classification (germline): Uncertain significance (1 of 4 stars; one submission).

Submission:

Women's Health and Genetics/Laboratory Corporation of America, LabCorp
Classification: Uncertain significance. Last evaluated: 2024-04-29. Review status: criteria provided, single submitter. Criteria: LabCorp Variant Classification Summary - May 2015. Collection method: clinical testing. Allele origin: germline.
Comment: Variant summary: GLB1 c.1870G>A (p.Ala624Thr) results in a non-conservative amino acid change in the encoded protein sequence. Three of five in-silico tools predict a damaging effect of the variant on protein function. The variant allele was found at a frequency of 4e-06 in 249506 control chromosomes. The available data on variant occurrences in the general population are insufficient to allow any conclusion about variant significance. To our knowledge, no occurrence of c.1870G>A in individuals affected with GM1 Gangliosidosis and no experimental evidence demonstrating its impact on protein function have been reported. No submitters have cited clinical-significance assessments for this variant to ClinVar. Based on the evidence outlined above, the variant was classified as uncertain significance.